The following is an entry in ClinVar:

NM_001375808.2(LPIN2):c.1877C>T (p.Pro626Leu)

Gene: LPIN2 (lipin 2; minus strand). Cytogenetic location: 18p11.31.
Variant type: single nucleotide variant.
Coding change: c.1877C>T on transcript NM_001375808.2 (MANE Select); coding-DNA position 1877, C replaced by T.
Protein change: p.Pro626Leu; replaces proline 626 with leucine.
Molecular consequence: missense variant.
Genome position (GRCh38, 1-based): chr18:2,925,285, G>A on the plus strand (C>T on the coding strand, the complement: LPIN2 is on the minus strand). VCF-style: chr18-2925285-G-A. GRCh37 (hg19) VCF-style: chr18-2925283-G-A.
Other names: c.1877C>T, p.Pro626Leu (NM_001375809.1, NM_014646.2); short protein forms P626L.
Identifiers: ClinVar variation 1483872 (VCV001483872.8), dbSNP rs2144132938, ClinGen allele CA401701715.
Genomic context (GRCh38, chr18:2,925,285, plus strand): 5'-ATCTGGTCTGAGGAGAGGCGGAGAGACTTCTTATATGAAGTTGTGCTGCCGTGGCTCAGG[G>A]GCTCTGTGGGGATGGGGTCCACTGTGATGGATTCTTCGAGCTCCTGTGATCCCTCGTCAC-3'
Protein context (NP_001362737.1, residues 616-636): SITVDPIPTE[Pro626Leu]LSHGSTTSYK

ClinVar aggregate classification (germline): Uncertain significance (1 of 4 stars; one submission).

Conditions:
Majeed syndrome (MJDS). Also called: CHRONIC RECURRENT MULTIFOCAL OSTEOMYELITIS 1, WITH CONGENITAL DYSERYTHROPOIETIC ANEMIA, WITH OR WITHOUT NEUTROPHILIC DERMATOSIS; LPIN2-Related Majeed Syndrome. Identifiers: Orphanet 77297, MedGen C1864997, MONDO:0012316, OMIM 609628.

Submission:

Labcorp Genetics (formerly Invitae), Labcorp
Classification: Uncertain significance for Majeed syndrome. Last evaluated: 2021-07-06. Review status: criteria provided, single submitter. Criteria: Invitae Variant Classification Sherloc (09022015). Collection method: clinical testing. Allele origin: germline.
Comment: This variant is not present in population databases (ExAC no frequency). This sequence change replaces proline with leucine at codon 626 of the LPIN2 protein (p.Pro626Leu). The proline residue is weakly conserved and there is a moderate physicochemical difference between proline and leucine. This variant has not been reported in the literature in individuals affected with LPIN2-related conditions. In summary, the available evidence is currently insufficient to determine the role of this variant in disease. Therefore, it has been classified as a Variant of Uncertain Significance. Algorithms developed to predict the effect of missense changes on protein structure and function (SIFT, PolyPhen-2, Align-GVGD) all suggest that this variant is likely to be tolerated.